The following is an entry in ClinVar:

NM_006513.4(SARS1):c.1483GCA[4] (p.Ala497_Arg498insAla)

Genes: SARS1 (seryl-tRNA synthetase 1; plus strand), LOC126805821 (CDK7 strongly-dependent group 2 enhancer GRCh37_chr1:109779623-109780822; plus strand). Cytogenetic location: 1p13.3.
Variant type: Microsatellite.
Coding change: c.1483GCA[4] on transcript NM_006513.4 (MANE Select); four copies in a row of the 3-base unit GCA starting at c.1483; the reference has three copies in a row; one copy, 3 bases duplicated; also written c.1489_1491dup.
Protein change: p.Ala497_Arg498insAla.
Molecular consequence: inframe insertion.
Genome position (GRCh38, 1-based): chr1:109,237,832-109,237,834, GCA duplicated; duplicating any 3 consecutive bases within chr1:109,237,825-109,237,834 gives the same sequence; the position shown is the placement nearest the transcript's 3' end. VCF-style (leftmost placement, unchanged base first): chr1-109237824-A-AAGC. GRCh37 (hg19) VCF-style: chr1-109780446-A-AAGC.
Other names: c.1549GCA[4], p.Ala519_Arg520insAla (NM_001330669.1); c.1489_1491dup (NM_006513.4).
Identifiers: ClinVar variation 4529504 (VCV004529504.1).
Genomic context (GRCh38, chr1:109,237,824, plus strand): 5'-CGCCCATTGAGCAGGAGCCATCAAAGAAGCAGAAGAAGCAACATGAGGGCAGCAAAAAGA[A>AAGC]AGCAGCAGCAAGAGACGTCACCCTAGAAAACAGGCTGCAGAACATGGAGGTCACCGATGC-3'

ClinVar aggregate classification (germline): Likely pathogenic (1 of 4 stars; one submission).

Conditions:
Neurodevelopmental disorder with microcephaly, ataxia, and seizures. Identifiers: MedGen C4540188, MONDO:0060577, OMIM 617709.

Submission:

Human Molecular Genetics Lab, International Islamic University
Classification: Likely pathogenic for Neurodevelopmental disorder with microcephaly, ataxia, and seizures. Last evaluated: 2025-11-18. Review status: criteria provided, single submitter. Criteria: Biesecker et al. (Am J Hum Genet. 2024). Collection method: research. Allele origin: germline. Inheritance: Autosomal recessive inheritance. Affected: yes. Observed: 4 variant alleles, 2 heterozygotes, 2 homozygotes.
Comment: This variant (NM_006513.4:c.1489_1491dup), resulting in an in-frame duplication of one Alanine residue at codon 497 (p.Ala497dup), was classified as likely Pathogenic based on ACMG criteria (PP1, and PM2, PM4) based on standard guidelines PMID: 38103548). Although the duplication is in-frame, it occurs in a highly constrained region of SARS1 with strong intolerance to variation (gnomAD constraint Z = 4.13), suggesting functional importance. The variant is extremely rare in population databases, with an allele frequency of 0.0000062 in gnomAD (10/1,614,196 alleles) and no homozygotes observed. It inherited in the autosomal recessive pattern in the subject family with disease.